The following is an entry in ClinVar:

NM_001184.4(ATR):c.7639C>G (p.Arg2547Gly)

Gene: ATR (ATR checkpoint kinase; minus strand). Cytogenetic location: 3q23.
Variant type: single nucleotide variant.
Coding change: c.7639C>G on transcript NM_001184.4 (MANE Select); coding-DNA position 7639, C replaced by G.
Protein change: p.Arg2547Gly; replaces arginine 2547 with glycine.
Molecular consequence: missense variant.
Genome position (GRCh38, 1-based): chr3:142,457,620, G>C on the plus strand (C>G on the coding strand, the complement: ATR is on the minus strand). VCF-style: chr3-142457620-G-C. GRCh37 (hg19) VCF-style: chr3-142176462-G-C.
Other names: c.7447C>G, p.Arg2483Gly (NM_001354579.2); short protein forms R2483G, R2547G.
Identifiers: ClinVar variation 1759919 (VCV001759919.2), dbSNP rs1254296505, ClinGen allele CA354794661.

ClinVar aggregate classification (germline): Uncertain significance (1 of 4 stars; one submission).

Conditions:
Inborn genetic diseases. Identifiers: MedGen C0950123, MeSH D030342.

gnomAD v4.1: 1 of 1,613,920 alleles (0.000062%); highest among the groups gnomAD compares: Non-Finnish European, 0.000085%; no homozygotes.

Submission:

Ambry Genetics
Classification: Uncertain significance for Inborn genetic diseases. Last evaluated: 2021-10-06. Review status: criteria provided, single submitter. Criteria: Ambry Variant Classification Scheme 2023. Collection method: clinical testing. Allele origin: germline.
Comment: The p.R2547G variant (also known as c.7639C>G), located in coding exon 45 of the ATR gene, results from a C to G substitution at nucleotide position 7639. The arginine at codon 2547 is replaced by glycine, an amino acid with dissimilar properties. This amino acid position is conserved. In addition, the in silico prediction for this alteration is inconclusive. Since supporting evidence is limited at this time, the clinical significance of this alteration remains unclear.